The following is an entry in ClinVar:

ClinVar aggregate classification (germline): Uncertain significance (1 of 4 stars; one submission).

Allele frequency attached by ClinVar (database versions not stated): ExAC 0.00003; TOPMed 0.00003; gnomAD 0.00004; gnomAD exomes 0.00004 and 0.00009.

Submission:

Labcorp Genetics (formerly Invitae), Labcorp
Classification: Uncertain significance. Last evaluated: 2025-04-11. Review status: criteria provided, single submitter. Criteria: Invitae Variant Classification Sherloc (09022015). Collection method: clinical testing. Allele origin: germline.
Comment: This sequence change replaces valine, which is neutral and non-polar, with methionine, which is neutral and non-polar, at codon 320 of the ARHGEF1 protein (p.Val320Met). This variant is present in population databases (rs201550936, gnomAD 0.01%). This variant has not been reported in the literature in individuals affected with ARHGEF1-related conditions. ClinVar contains an entry for this variant (Variation ID: 1513864). An algorithm developed to predict the effect of missense changes on protein structure and function (PolyPhen-2) suggests that this variant is likely to be tolerated. In summary, the available evidence is currently insufficient to determine the role of this variant in disease. Therefore, it has been classified as a Variant of Uncertain Significance.

NM_004706.4(ARHGEF1):c.913G>A (p.Val305Met)

Gene: ARHGEF1 (Rho guanine nucleotide exchange factor 1; plus strand). Cytogenetic location: 19q13.2.
Variant type: single nucleotide variant.
Coding change: c.913G>A on transcript NM_004706.4 (MANE Select); coding-DNA position 913, G replaced by A.
Protein change: p.Val305Met; replaces valine 305 with methionine.
Molecular consequence: missense variant.
Genome position (GRCh38, 1-based): chr19:41,895,384, G>A. VCF-style: chr19-41895384-G-A. GRCh37 (hg19) VCF-style: chr19-42399457-G-A.
Other names: c.814G>A, p.Val272Met (NM_198977.2); c.958G>A, p.Val320Met (NM_199002.2); short protein forms V272M, V320M, V305M.
Identifiers: ClinVar variation 1513864 (VCV001513864.6), dbSNP rs201550936, ClinGen allele CA9466116.